The following is an entry in ClinVar:

ClinVar aggregate classification (germline): Uncertain significance (1 of 4 stars; one submission).

Submission:

Labcorp Genetics (formerly Invitae), Labcorp
Classification: Uncertain significance. Last evaluated: 2022-07-06. Review status: criteria provided, single submitter. Criteria: Invitae Variant Classification Sherloc (09022015). Collection method: clinical testing. Allele origin: germline.
Comment: This variant, c.210_212del, results in the deletion of 1 amino acid(s) of the PEPD protein (p.Phe71del), but otherwise preserves the integrity of the reading frame. This variant is not present in population databases (gnomAD no frequency). This variant has not been reported in the literature in individuals affected with PEPD-related conditions. Experimental studies and prediction algorithms are not available or were not evaluated, and the functional significance of this variant is currently unknown. In summary, the available evidence is currently insufficient to determine the role of this variant in disease. Therefore, it has been classified as a Variant of Uncertain Significance.

NM_000285.4(PEPD):c.207CTT[1] (p.Phe71del)

Gene: PEPD (peptidase D; minus strand). Cytogenetic location: 19q13.11.
Variant type: Microsatellite.
Coding change: c.207CTT[1] on transcript NM_000285.4 (MANE Select); one copy of the 3-base unit CTT starting at c.207; the reference has two copies in a row; one copy, 3 bases deleted.
Protein change: p.Phe71del; deletes phenylalanine 71.
Molecular consequence: inframe deletion. On other transcripts: intron variant (1).
Genome position (GRCh38, 1-based): chr19:33,511,145-33,511,147, AAG deleted on the plus strand (CTT on the coding strand, the reverse complement: PEPD is on the minus strand); deleting any 3 consecutive bases within chr19:33,511,145-33,511,150 gives the same sequence; the position shown is the placement nearest the transcript's 3' end. VCF-style (leftmost placement, unchanged base first): chr19-33511144-AAAG-A. GRCh37 (hg19) VCF-style: chr19-34002050-AAAG-A.
Other names: c.207CTT[1], p.Phe71del (NM_001166056.2); c.201+1446_201+1448del (NM_001166057.2); short protein forms F71del.
Identifiers: ClinVar variation 1430020 (VCV001430020.5), dbSNP rs1219469150, ClinGen allele CA881616013.